The following is an entry in ClinVar:

ClinVar aggregate classification (germline): Benign (1 of 4 stars; one submission).

Allele frequency attached by ClinVar (database versions not stated): 1000 Genomes Project 30x 0.78685; TOPMed 0.75264; 1000 Genomes Project 0.78335.
gnomAD v4.1: 482,705 of 700,014 alleles (69%); highest among the groups gnomAD compares: African/African-American, 93%; 170,199 homozygotes.

Submission:

Unidad de Genómica Garrahan, Hospital de Pediatría Garrahan
Classification: Benign. Last evaluated: 2024-01-24. Review status: criteria provided, single submitter. Criteria: ACMG Guidelines, 2015. Collection method: clinical testing. Allele origin: germline. Affected: no. Observed: 88 variant alleles.
Comment: This variant is classified as Benign based on local population frequency. This variant was detected in 93% of patients studied by a panel of primary immunodeficiencies. Number of patients: 88. Only high quality variants are reported.

NM_001320151.2(OAS1):c.*32G>C

Gene: OAS1 (2'-5'-oligoadenylate synthetase 1; plus strand). Cytogenetic location: 12q24.13.
Variant type: single nucleotide variant.
Coding change: c.*32G>C on transcript NM_001320151.2; 32 bases downstream of the stop codon, G replaced by C.
Molecular consequence: 3 prime UTR variant. On other transcripts: non-coding transcript variant (1).
Genome position (GRCh38, 1-based): chr12:112,931,954, G>C. VCF-style: chr12-112931954-G-C. GRCh37 (hg19) VCF-style: chr12-113369759-G-C.
Other names: c.*32G>C (NM_001406025.1).
Identifiers: ClinVar variation 2687938 (VCV002687938.2), dbSNP rs7967461, ClinGen allele CA6800072.